The following is an entry in ClinVar:

ClinVar aggregate classification (germline): Uncertain significance. Review status: criteria provided, multiple submitters, no conflicts (2 of 4 stars). 2 submissions from 2 submitters: Uncertain significance (2). Last evaluated 2026-01-21.

Conditions:
PCDH15-related disorder. Also called: PCDH15-related disorders; PCDH15-related condition.

Submissions (2):

PreventionGenetics, part of Exact Sciences
Classification: Uncertain significance for PCDH15-related condition. Last evaluated: 2026-01-21. Review status: criteria provided, single submitter. Criteria: ACMG Guidelines, 2015. Collection method: clinical testing. Allele origin: germline.
Comment: The PCDH15 c.4747_4748dupAT variant is predicted to result in a frameshift and premature protein termination (p.Ala1584Leufs*8). This variant is located in the terminal exon in transcript NM_001354429. This variant can also be denoted as c.*1703_*1704dupAT (Post-Coding) in the biologically relevant transcript for hearing loss NM_001142769. To our knowledge, this variant has not been reported in the literature. This variant is reported in 0.0094% of alleles in individuals of European (Non-Finnish) descent in gnomAD. At this time, the clinical significance of this variant is uncertain due to the absence of conclusive functional and genetic evidence.

Blueprint Genetics
Classification: Uncertain significance. Last evaluated: 2021-10-08. Review status: criteria provided, single submitter. Criteria: ACMG Guidelines, 2015. Collection method: clinical testing. Allele origin: germline.

NM_001384140.1(PCDH15):c.4813_4814dup (p.Ala1606fs)

Gene: PCDH15 (protocadherin related 15; minus strand). Cytogenetic location: 10q21.1.
Variant type: Microsatellite.
Coding change: c.4813_4814dup on transcript NM_001384140.1 (MANE Select); coding-DNA positions 4813 to 4814, 2 bases duplicated (AT; older notation c.4813_4814dupAT).
Protein change: p.Ala1606fs; shifts the reading frame from alanine 1606.
Molecular consequence: frameshift variant.
Genome position (GRCh38, 1-based): chr10:53,806,988-53,806,989, AT duplicated on the plus strand (AT on the coding strand, the reverse complement: PCDH15 is on the minus strand); duplicating any 2 consecutive bases within chr10:53,806,988-53,806,997 gives the same sequence; the c. name uses the placement nearest the transcript's 3' end. VCF-style (leftmost placement, unchanged base first): chr10-53806987-A-AAT. GRCh37 (hg19) VCF-style: chr10-55566747-A-AAT.
Other names: c.4639_4640dup, p.Ala1548fs (NM_001142771.2); c.4624_4625dup, p.Ala1543fs (NM_001142772.2); c.4618_4619dup, p.Ala1541fs (NM_001354420.2); c.4747_4748dup, p.Ala1584fs (NM_001354429.2); c.4747_4748dupAT (NM_001354429.1); short protein forms A1541fs, A1543fs, A1606fs, A1548fs, A1584fs.
Identifiers: ClinVar variation 4907333 (VCV004907333.2).